The following is an entry in ClinVar:

ClinVar aggregate classification (germline): Uncertain significance (1 of 4 stars; one submission).

Submission:

GeneDx
Classification: Uncertain significance. Last evaluated: 2022-03-16. Review status: criteria provided, single submitter. Criteria: GeneDx Variant Classification Process June 2021. Collection method: clinical testing. Allele origin: germline. Affected: yes.
Comment: Not observed at significant frequency in large population cohorts (gnomAD); In silico analysis supports that this missense variant does not alter protein structure/function; Has not been previously published as pathogenic or benign to our knowledge

NM_006545.5(NPRL2):c.1022C>T (p.Pro341Leu)

Gene: NPRL2 (NPR2 like, GATOR1 complex subunit; minus strand). Cytogenetic location: 3p21.31.
Variant type: single nucleotide variant.
Coding change: c.1022C>T on transcript NM_006545.5 (MANE Select); coding-DNA position 1022, C replaced by T.
Protein change: p.Pro341Leu; replaces proline 341 with leucine.
Molecular consequence: missense variant.
Genome position (GRCh38, 1-based): chr3:50,347,812, G>A on the plus strand (C>T on the coding strand, the complement: NPRL2 is on the minus strand). VCF-style: chr3-50347812-G-A. GRCh37 (hg19) VCF-style: chr3-50385243-G-A.
Other names: short protein forms P341L.
Identifiers: ClinVar variation 1706341 (VCV001706341.2), dbSNP rs2470931592, ClinGen allele CA352947806.
Genomic context (GRCh38, chr3:50,347,812, plus strand): 5'-CCTCCACCTGTCTTGCAGCAGATCTCGTCATAGCTGTGGCAGCCTGTATAAAGCCGGGCA[G>A]GGTGGCTCTGCTCTTCCCGAGTCACCCGCACAGGATACTTCTGTAGTCGCCTGATGAGGT-3'
Protein context (NP_006536.3, residues 331-351): VRVTREEQSH[Pro341Leu]ARLYTGCHSY